The following is an entry in ClinVar:

ClinVar aggregate classification (germline): Likely benign (1 of 4 stars; one submission).

Submission:

CeGaT Center for Human Genetics Tuebingen
Classification: Likely benign. Last evaluated: 2024-09-01. Review status: criteria provided, single submitter. Criteria: CeGaT Center For Human Genetics Tuebingen Variant Classification Criteria Version 2. Collection method: clinical testing. Allele origin: germline. Affected: yes. Observed: 4 variant alleles.
Comment: PHLPP1: BP4, BP7

NM_194449.4(PHLPP1):c.96A>T (p.Ala32=)

Gene: PHLPP1 (PH domain and leucine rich repeat protein phosphatase 1; plus strand). Cytogenetic location: 18q21.33.
Variant type: single nucleotide variant.
Coding change: c.96A>T on transcript NM_194449.4 (MANE Select); coding-DNA position 96, A replaced by T.
Protein change: p.Ala32=; no amino-acid change (alanine 32 retained).
Molecular consequence: synonymous variant.
Genome position (GRCh38, 1-based): chr18:62,715,779, A>T. VCF-style: chr18-62715779-A-T. GRCh37 (hg19) VCF-style: chr18-60383012-A-T.
Identifiers: ClinVar variation 2648786 (VCV002648786.24), dbSNP rs1485033916, ClinGen allele CA504306159.
Genomic context (GRCh38, chr18:62,715,779, plus strand): 5'-CCCCGAGCTCGGCAGGGAGGACCGAGCTTCGGCTCCGGCGGCCGCCGCTGCGGCAGCAGC[A>T]GCAGCAGCGGCGGCCGCGGCGGCTCTGGCGGCGGCGGCCGGGGGCGGCCGGAGTCCGGAG-3'
Protein context (NP_919431.2, residues 22-42): SAPAAAAAAA[Ala32=]AAAAAAAALA